The following is an entry in ClinVar:

ClinVar aggregate classification (germline): Benign. Review status: criteria provided, multiple submitters, no conflicts (2 of 4 stars). 2 submissions from 2 submitters: Benign (2). Last evaluated 2018-06-14.

Allele frequency attached by ClinVar (database versions not stated): gnomAD 0.12966 and 0.13124; TOPMed 0.13751; 1000 Genomes Project 0.17831; 1000 Genomes Project 30x 0.18239.
gnomAD v4.1: 19,546 of 151,960 alleles (13%); highest among the groups gnomAD compares: African/African-American, 33%; 2,406 homozygotes.

Submissions (2):

GeneDx
Classification: Benign. Last evaluated: 2018-06-14. Review status: criteria provided, single submitter. Criteria: GeneDx Variant Classification (06012015). Collection method: clinical testing. Allele origin: germline. Affected: yes.
Comment: This variant is considered likely benign or benign based on one or more of the following criteria: it is a conservative change, it occurs at a poorly conserved position in the protein, it is predicted to be benign by multiple in silico algorithms, and/or has population frequency not consistent with disease.

Breakthrough Genomics
Classification: Benign. Review status: criteria provided, single submitter. Criteria: ACMG Guidelines, 2015. Collection method: not provided. Allele origin: germline. Inheritance: Autosomal recessive inheritance. Affected: yes.

NM_017775.4(TTC19):c.463-259T>C

Gene: TTC19 (tetratricopeptide repeat domain 19; plus strand). Cytogenetic location: 17p12.
Variant type: single nucleotide variant.
Coding change: c.463-259T>C on transcript NM_017775.4 (MANE Select); 259 bases into the intron before coding-DNA position 463, T replaced by C.
Molecular consequence: intron variant.
Genome position (GRCh38, 1-based): chr17:16,003,572, T>C. VCF-style: chr17-16003572-T-C. GRCh37 (hg19) VCF-style: chr17-15906886-T-C.
Other names: c.142-259T>C (NM_001271420.2).
Identifiers: ClinVar variation 684295 (VCV000684295.2), dbSNP rs6502483, ClinGen allele CA288188541.
Genomic context (GRCh38, chr17:16,003,572, plus strand): 5'-AAAAGATGGAGAAGAGAATGACTATTAGGAGACAGTTTGTAGTCTCTGCCACAGTGGGTT[T>C]GGATAAGAACTTAATCTCTGAGGTTGTTTTCTACTCATCAGAGAGTAGTTTAAGGTACAC-3'